The following is an entry in ClinVar:

ClinVar aggregate classification (germline): Uncertain significance (1 of 4 stars; one submission).

Submission:

CeGaT Center for Human Genetics Tuebingen
Classification: Uncertain significance. Last evaluated: 2025-12-01. Review status: criteria provided, single submitter. Criteria: CeGaT Center For Human Genetics Tuebingen Variant Classification Criteria Version 2. Collection method: clinical testing. Allele origin: germline. Affected: yes. Observed: 1 variant allele.
Comment: KDM4B: PM4

NM_015015.3(KDM4B):c.6_7insGCGCAG (p.Gly2_Ser3insAlaGln)

Gene: KDM4B (lysine demethylase 4B; plus strand). Cytogenetic location: 19p13.3.
Variant type: Insertion.
Coding change: c.6_7insGCGCAG on transcript NM_015015.3 (MANE Select); coding-DNA positions 6 to 7, GCGCAG inserted.
Protein change: p.Gly2_Ser3insAlaGln.
Molecular consequence: inframe insertion.
Genome position: GRCh38 VCF-style: chr19-5032895-G-GGGCGCA. GRCh37 (hg19) VCF-style: chr19-5032906-G-GGGCGCA.
Other names: c.6_7insGCGCAG, p.Gly2_Ser3insAlaGln (NM_001370093.1, NM_001370094.1, NM_001411148.1).
Identifiers: ClinVar variation 4822818 (VCV004822818.4).